The following is an entry in ClinVar:

NM_000094.4(COL7A1):c.8783G>A (p.Arg2928His)

Gene: COL7A1 (collagen type VII alpha 1 chain; minus strand). Cytogenetic location: 3p21.31.
Variant type: single nucleotide variant.
Coding change: c.8783G>A on transcript NM_000094.4 (MANE Select); coding-DNA position 8783, G replaced by A.
Protein change: p.Arg2928His; replaces arginine 2928 with histidine.
Molecular consequence: missense variant.
Genome position (GRCh38, 1-based): chr3:48,564,818, C>T on the plus strand (G>A on the coding strand, the complement: COL7A1 is on the minus strand). VCF-style: chr3-48564818-C-T. GRCh37 (hg19) VCF-style: chr3-48602251-C-T.
Other names: short protein forms R2928H.
Identifiers: ClinVar variation 899448 (VCV000899448.9), dbSNP rs758740269, ClinGen allele CA2377878.

ClinVar aggregate classification (germline): Conflicting classifications of pathogenicity. Review status: criteria provided, conflicting classifications (1 of 4 stars). 3 submissions from 3 submitters: Uncertain significance (2); Likely benign (1). Last evaluated 2026-01-22.

Conditions:
Epidermolysis bullosa dystrophica. Also called: Dystrophic epidermolysis bullosa, Hallopeau-Siemens type (formerly); Dystrophic epidermolysis bullosa. Identifiers: Orphanet 303, MedGen C0079294, MONDO:0006543.

Allele frequency attached by ClinVar (database versions not stated): gnomAD exomes 0.00002 and 0.00003; TOPMed 0.00003; ExAC 0.00004.
gnomAD v4.1: 44 of 1,613,916 alleles (0.0027%); highest among the groups gnomAD compares: African/African-American, 0.004%; no homozygotes.

Submissions (3):

Labcorp Genetics (formerly Invitae), Labcorp
Classification: Likely benign. Last evaluated: 2026-01-22. Review status: criteria provided, single submitter. Criteria: Invitae Variant Classification Sherloc (09022015). Collection method: clinical testing. Allele origin: germline.

GeneDx
Classification: Uncertain significance. Last evaluated: 2023-05-10. Review status: criteria provided, single submitter. Criteria: GeneDx Variant Classification Process June 2021. Collection method: clinical testing. Allele origin: germline. Affected: yes.
Comment: Reported previously as heterozygous in a patient with a clinical diagnosis of autosomal recessive dystrophic epidermolysis bullosa with no collagen VII expression and recurrent squamous cell carcinoma, but no second COL7A1 variant was identified (Kim et al., 2018); In silico analysis supports that this missense variant does not alter protein structure/function; This variant is associated with the following publications: (PMID: 28853495)

Illumina Laboratory Services, Illumina
Classification: Uncertain significance for Dystrophic epidermolysis bullosa. Last evaluated: 2018-01-13. Review status: criteria provided, single submitter. Criteria: ICSL Variant Classification Criteria 13 December 2019. Collection method: clinical testing. Allele origin: germline.